The following is an entry in ClinVar:

NM_005219.5(DIAPH1):c.3211C>T (p.Arg1071Cys)

Gene: DIAPH1 (diaphanous related formin 1; minus strand). Cytogenetic location: 5q31.3.
Variant type: single nucleotide variant.
Coding change: c.3211C>T on transcript NM_005219.5 (MANE Select); coding-DNA position 3211, C replaced by T.
Protein change: p.Arg1071Cys; replaces arginine 1071 with cysteine.
Molecular consequence: missense variant.
Genome position (GRCh38, 1-based): chr5:141,527,635, G>A on the plus strand (C>T on the coding strand, the complement: DIAPH1 is on the minus strand). VCF-style: chr5-141527635-G-A. GRCh37 (hg19) VCF-style: chr5-140907202-G-A.
Other names: c.3184C>T, p.Arg1062Cys (NM_001079812.3); c.3211C>T, p.Arg1071Cys (NM_001314007.2); short protein forms R1071C, R1062C.
Identifiers: ClinVar variation 2195000 (VCV002195000.4), dbSNP rs752348913, ClinGen allele CA3478838.

ClinVar aggregate classification (germline): Uncertain significance (1 of 4 stars; one submission).

Conditions:
Autosomal dominant nonsyndromic hearing loss 1. Also called: DEAFNESS, AUTOSOMAL DOMINANT 1, WITH OR WITHOUT THROMBOCYTOPENIA; KONIGSMARK SYNDROME. Identifiers: Orphanet 90635, MedGen C1852282, MONDO:0007424, OMIM 124900.
Progressive microcephaly-seizures-cortical blindness-developmental delay syndrome. Also called: Seizures, cortical blindness, and microcephaly syndrome. Identifiers: Orphanet 477814, MedGen C5567650, MONDO:0014714, OMIM 616632.

Allele frequency attached by ClinVar (database versions not stated): gnomAD 0.00001; gnomAD exomes 0.00001; ExAC 0.00002.

Submission:

Labcorp Genetics (formerly Invitae), Labcorp
Classification: Uncertain significance for Progressive microcephaly-seizures-cortical blindness-developmental delay syndrome; Autosomal dominant nonsyndromic hearing loss 1. Last evaluated: 2025-09-14. Review status: criteria provided, single submitter. Criteria: Invitae Variant Classification Sherloc (09022015). Collection method: clinical testing. Allele origin: germline.
Comment: This sequence change replaces arginine, which is basic and polar, with cysteine, which is neutral and slightly polar, at codon 1071 of the DIAPH1 protein (p.Arg1071Cys). This variant is present in population databases (rs752348913, gnomAD 0.01%). This variant has not been reported in the literature in individuals affected with DIAPH1-related conditions. ClinVar contains an entry for this variant (Variation ID: 2195000). An algorithm developed to predict the effect of missense changes on protein structure and function (PolyPhen-2) suggests that this variant is likely to be disruptive. In summary, the available evidence is currently insufficient to determine the role of this variant in disease. Therefore, it has been classified as a Variant of Uncertain Significance.